The following is an entry in ClinVar:

ClinVar aggregate classification (germline): Pathogenic/Likely pathogenic. Review status: criteria provided, multiple submitters, no conflicts (2 of 4 stars). 4 submissions from 4 submitters: Pathogenic (3); Likely pathogenic (1). Last evaluated 2024-03-29.

Conditions:
FLCN-related disorders.
Birt-Hogg-Dube syndrome. Also called: Birt Hogg Dubé syndrome. Identifiers: Orphanet 122, MedGen C0346010, MONDO:0800444.
Birt-Hogg-Dube syndrome 1 (BHD1). Also called: FIBROFOLLICULOMAS WITH TRICHODISCOMAS AND ACROCHORDONS. Identifiers: Orphanet 122, MedGen CN375946, MONDO:0800445, OMIM 135150.
Hereditary cancer-predisposing syndrome. Also called: Neoplastic Syndromes, Hereditary; Hereditary Cancer Syndrome; Tumor predisposition; Hereditary neoplastic syndrome. Identifiers: Orphanet 140162, MedGen C0027672, MeSH D009386, MONDO:0015356.

Submissions (4):

Myriad Genetics, Inc.
Classification: Pathogenic for Birt-Hogg-Dube syndrome 1. Last evaluated: 2024-03-29. Review status: criteria provided, single submitter. Criteria: Myriad Autosomal Dominant, Autosomal Recessive and X-Linked Classification Criteria (2023). Collection method: clinical testing. Allele origin: unknown.
Comment: This variant is considered pathogenic. This variant creates a frameshift predicted to result in premature protein truncation.

Ambry Genetics
Classification: Pathogenic for Hereditary cancer-predisposing syndrome. Last evaluated: 2023-11-13. Review status: criteria provided, single submitter. Criteria: Ambry Variant Classification Scheme 2023. Collection method: clinical testing. Allele origin: germline.
Comment: The c.1395delT pathogenic mutation, located in coding exon 9 of the FLCN gene, results from a deletion of one nucleotide at nucleotide position 1395, causing a translational frameshift with a predicted alternate stop codon (p.F465Lfs*3). This alteration is expected to result in loss of function by premature protein truncation or nonsense-mediated mRNA decay. As such, this alteration is interpreted as a disease-causing mutation.

Blueprint Genetics
Classification: Likely pathogenic for FLCN-related disorders. Last evaluated: 2023-10-26. Review status: criteria provided, single submitter. Criteria: ACMG Guidelines, 2015. Collection method: clinical testing. Allele origin: germline. Affected: yes. Observed: 1 variant allele.

Labcorp Genetics (formerly Invitae), Labcorp
Classification: Pathogenic for Birt-Hogg-Dube syndrome. Last evaluated: 2022-08-16. Review status: criteria provided, single submitter. Criteria: Invitae Variant Classification Sherloc (09022015). Collection method: clinical testing. Allele origin: germline.
Comment: For these reasons, this variant has been classified as Pathogenic. This variant has not been reported in the literature in individuals affected with FLCN-related conditions. This variant is not present in population databases (gnomAD no frequency). This sequence change creates a premature translational stop signal (p.Phe465Leufs*3) in the FLCN gene. It is expected to result in an absent or disrupted protein product. Loss-of-function variants in FLCN are known to be pathogenic (PMID: 15852235).

Literature cited by the submitters: PubMed 15852235 (cited by Labcorp Genetics (formerly Invitae), Labcorp).

NM_144997.7(FLCN):c.1395del (p.Phe465fs)

Gene: FLCN (folliculin; minus strand). Cytogenetic location: 17p11.2.
Variant type: Deletion.
Coding change: c.1395del on transcript NM_144997.7 (MANE Select); coding-DNA position 1395, one base deleted (T; older notation c.1395delT).
Protein change: p.Phe465fs; shifts the reading frame from phenylalanine 465.
Molecular consequence: frameshift variant.
Genome position (GRCh38, 1-based): chr17:17,215,222, A deleted on the plus strand (T on the coding strand, the reverse complement: FLCN is on the minus strand); the first of 3 consecutive A bases (chr17:17,215,222-17,215,224); deleting any one gives the same sequence. VCF-style (leftmost placement, unchanged base first): chr17-17215221-CA-C. GRCh37 (hg19) VCF-style: chr17-17118535-CA-C.
Other names: c.1449del, p.Phe483fs (NM_001353229.2); c.1395del, p.Phe465fs (NM_001353230.2, NM_001353231.2); c.1395delT (NM_144997.5); short protein forms F483fs, F465fs.
Identifiers: ClinVar variation 2024236 (VCV002024236.6), dbSNP rs2544145845, ClinGen allele CA2580092701.